The following is an entry in ClinVar:

ClinVar aggregate classification (germline): Uncertain significance. Review status: criteria provided, multiple submitters, no conflicts (2 of 4 stars). 3 submissions from 3 submitters: Uncertain significance (3). Last evaluated 2025-03-11.

Conditions:
Emery-Dreifuss muscular dystrophy 5, autosomal dominant (EDMD5). Also called: EMERY-DREIFUSS MUSCULAR DYSTROPHY 5. Identifiers: Orphanet 261, MedGen C2751805, MONDO:0013072, OMIM 612999.

Allele frequency attached by ClinVar (database versions not stated): gnomAD 0.00002 and 0.00004; gnomAD exomes 0.00002 and 0.00006; TOPMed 0.00002; ExAC 0.00005; 1000 Genomes Project 30x 0.00016; 1000 Genomes Project 0.00020.
gnomAD v4.1: 38 of 1,614,078 alleles (0.0024%); highest among the groups gnomAD compares: South Asian, 0.025%; no homozygotes.

Submissions (3):

Labcorp Genetics (formerly Invitae), Labcorp
Classification: Uncertain significance for Emery-Dreifuss muscular dystrophy 5, autosomal dominant. Last evaluated: 2025-03-11. Review status: criteria provided, single submitter. Criteria: Invitae Variant Classification Sherloc (09022015). Collection method: clinical testing. Allele origin: germline.
Comment: This sequence change replaces arginine, which is basic and polar, with glutamine, which is neutral and polar, at codon 3969 of the SYNE2 protein (p.Arg3969Gln). This variant is present in population databases (rs563332131, gnomAD 0.03%), and has an allele count higher than expected for a pathogenic variant. This variant has not been reported in the literature in individuals affected with SYNE2-related conditions. ClinVar contains an entry for this variant (Variation ID: 313562). An algorithm developed to predict the effect of missense changes on protein structure and function (PolyPhen-2) suggests that this variant is likely to be tolerated. In summary, the available evidence is currently insufficient to determine the role of this variant in disease. Therefore, it has been classified as a Variant of Uncertain Significance.

Revvity Omics, Revvity
Classification: Uncertain significance for Emery-Dreifuss muscular dystrophy 5, autosomal dominant. Last evaluated: 2021-09-08. Review status: criteria provided, single submitter. Criteria: ACMG Guidelines, 2015. Collection method: clinical testing. Allele origin: germline.

Illumina Laboratory Services, Illumina
Classification: Uncertain significance for Emery-Dreifuss muscular dystrophy 5, autosomal dominant. Last evaluated: 2018-01-13. Review status: criteria provided, single submitter. Criteria: ICSL Variant Classification Criteria 13 December 2019. Collection method: clinical testing. Allele origin: germline.

NM_182914.3(SYNE2):c.11906G>A (p.Arg3969Gln)

Gene: SYNE2 (spectrin repeat containing nuclear envelope protein 2; plus strand). Cytogenetic location: 14q23.2.
Variant type: single nucleotide variant.
Coding change: c.11906G>A on transcript NM_182914.3 (MANE Select); coding-DNA position 11906, G replaced by A.
Protein change: p.Arg3969Gln; replaces arginine 3969 with glutamine.
Molecular consequence: missense variant.
Genome position (GRCh38, 1-based): chr14:64,090,978, G>A. VCF-style: chr14-64090978-G-A. GRCh37 (hg19) VCF-style: chr14-64557696-G-A.
Other names: c.11906G>A, p.Arg3969Gln (NM_015180.6); short protein forms R3969Q.
Identifiers: ClinVar variation 313562 (VCV000313562.8), dbSNP rs563332131, ClinGen allele CA7221948.
Genomic context (GRCh38, chr14:64,090,978, plus strand): 5'-CTTACCAAGTGGAACTGAGGTTGCCCCAAACAGGAATGAAACCTCTGCCTGTGTTTCAGC[G>A]GACAAATCAGCTTTTACAAGATATAAAACTATTGGAAAATGTGACTCAAGAACAAAATGA-3'
Protein context (NP_878918.2, residues 3959-3979): TGMKPLPVFQ[Arg3969Gln]TNQLLQDIKL